The following is an entry in ClinVar:

NC_000023.10:g.(?_118986730)_(119603030_?)dup

Genes: RHOXF2B (Rhox homeobox family member 2B; minus strand), RNF113A (ring finger protein 113A; minus strand), TMEM255A (transmembrane protein 255A; minus strand), UPF3B (UPF3B regulator of nonsense mediated mRNA decay; minus strand), ZBTB33 (zinc finger and BTB domain containing 33; plus strand) and 7 more. Cytogenetic location: Xq24.
Variant type: Duplication.
Identifiers: ClinVar variation 267326 (VCV000267326.1).

ClinVar aggregate classification (germline): Uncertain significance (1 of 4 stars; one submission).

Conditions:
Danon disease. Also called: Glycogen Storage Disease Type IIb; ANTOPOL DISEASE; PSEUDOGLYCOGENOSIS II; GSD IIb; LYSOSOMAL GLYCOGEN STORAGE DISEASE WITHOUT ACID MALTASE DEFICIENCY. Identifiers: Orphanet 34587, MedGen C0878677, MONDO:0010281, OMIM 300257.

Submission:

Labcorp Genetics (formerly Invitae), Labcorp
Classification: Uncertain significance for Danon disease. Last evaluated: 2016-01-06. Review status: criteria provided, single submitter. Criteria: Invitae Variant Classification Sherloc (09022015). Collection method: clinical testing. Allele origin: germline.
Comment: A gross duplication of the genomic region encompassing the full coding sequence of the DMD gene has been identified. This gross duplication is not present in population databases. A similar DMD whole gene duplication has been reported in the literature in an individual affected with Duchenne muscular dystrophy and mild intelectual disability (PMID: 22796527). In summary, this is a whole gene duplication with uncertain impact on protein function. It has been classified as a Variant of Uncertain Significance.